The following is an entry in ClinVar:

NM_000186.4(CFH):c.3653G>T (p.Cys1218Phe)

Gene: CFH (complement factor H; plus strand). Cytogenetic location: 1q31.3.
Variant type: single nucleotide variant.
Coding change: c.3653G>T on transcript NM_000186.4 (MANE Select); coding-DNA position 3653, G replaced by T.
Protein change: p.Cys1218Phe; replaces cysteine 1218 with phenylalanine.
Molecular consequence: missense variant.
Genome position (GRCh38, 1-based): chr1:196,747,270, G>T. VCF-style: chr1-196747270-G-T. GRCh37 (hg19) VCF-style: chr1-196716400-G-T.
Other names: short protein forms C1218F.
Identifiers: ClinVar variation 4291638 (VCV004291638.1).

ClinVar aggregate classification (germline): Uncertain significance (1 of 4 stars; one submission).

Conditions:
Atypical hemolytic-uremic syndrome. Identifiers: Orphanet 2134, MedGen C2931788, MONDO:0016244.

Submission:

Genomenon, Inc
Classification: Uncertain significance for Atypical hemolytic-uremic syndrome. Last evaluated: 2025-10-02. Review status: criteria provided, single submitter. Criteria: Genomenon Sequence Variant Interpretation Standards - Updated. Collection method: curation. Allele origin: germline. Affected: yes.
Comment: CFH p.Cys1218Phe (c.3653G>T) is a missense variant that changes the amino acid at residue 1218 from Cysteine to Phenylalanine. This variant has been observed in at least one proband affected with atypical hemolytic-uremic syndrome (PMID:35385571). It is absent or not present at a significant frequency in gnomAD. In silico models agree that this variant is possibly or probably damaging. In conclusion, we classify CFH p.Cys1218Phe (c.3653G>T) as a variant of uncertain significance.

Literature cited by the submitters: PubMed 35385571.